The following is an entry in ClinVar:

NM_000051.4(ATM):c.7469T>A (p.Leu2490His)

Genes: ATM (ATM serine/threonine kinase; plus strand), C11orf65 (chromosome 11 open reading frame 65; minus strand). Cytogenetic location: 11q22.3.
Variant type: single nucleotide variant.
Coding change: c.7469T>A on transcript NM_000051.4 (MANE Select); coding-DNA position 7469, T replaced by A.
Protein change: p.Leu2490His; replaces leucine 2490 with histidine.
Molecular consequence: missense variant. On other transcripts: intron variant (2).
Genome position (GRCh38, 1-based): chr11:108,330,375, T>A. VCF-style: chr11-108330375-T-A. GRCh37 (hg19) VCF-style: chr11-108201102-T-A.
Other names: c.7469T>A, p.Leu2490His (NM_001351834.2); c.641-21304A>T (NM_001330368.2); c.*38+4845A>T (NM_001351110.2); short protein forms L2490H.
Identifiers: ClinVar variation 1915804 (VCV001915804.5), dbSNP rs2136461578, ClinGen allele CA382560427.

ClinVar aggregate classification (germline): Uncertain significance. Review status: criteria provided, multiple submitters, no conflicts (2 of 4 stars). 2 submissions from 2 submitters: Uncertain significance (2). Last evaluated 2024-11-08.

Conditions:
Ataxia-telangiectasia syndrome (AT). Also called: Ataxia-telangiectasia, complementation group D; AT, COMPLEMENTATION GROUP C; ATAXIA-TELANGIECTASIA, COMPLEMENTATION GROUP A; ATAXIA-TELANGIECTASIA, FRESNO VARIANT; Ataxia-telangiectasia, complementation group E; LOUIS-BAR SYNDROME. Identifiers: Orphanet 100, MedGen C0004135, MONDO:0008840, OMIM 208900.
Hereditary cancer-predisposing syndrome. Also called: Tumor predisposition; Hereditary Cancer Syndrome; Hereditary neoplastic syndrome; Neoplastic Syndromes, Hereditary. Identifiers: Orphanet 140162, MedGen C0027672, MeSH D009386, MONDO:0015356.

Submissions (2):

Ambry Genetics
Classification: Uncertain significance for Hereditary cancer-predisposing syndrome. Last evaluated: 2024-11-08. Review status: criteria provided, single submitter. Criteria: Ambry Variant Classification Scheme 2023. Collection method: clinical testing. Allele origin: germline.
Comment: The p.L2490H variant (also known as c.7469T>A), located in coding exon 49 of the ATM gene, results from a T to A substitution at nucleotide position 7469. The leucine at codon 2490 is replaced by histidine, an amino acid with similar properties. This amino acid position is conserved. In addition, this alteration is predicted to be deleterious by in silico analysis. Based on the available evidence, the clinical significance of this variant remains unclear.

Labcorp Genetics (formerly Invitae), Labcorp
Classification: Uncertain significance for Ataxia-telangiectasia syndrome. Last evaluated: 2023-03-20. Review status: criteria provided, single submitter. Criteria: Invitae Variant Classification Sherloc (09022015). Collection method: clinical testing. Allele origin: germline.
Comment: In summary, the available evidence is currently insufficient to determine the role of this variant in disease. Therefore, it has been classified as a Variant of Uncertain Significance. An algorithm developed to predict the effect of missense changes on protein structure and function (PolyPhen-2) suggests that this variant is likely to be disruptive. ClinVar contains an entry for this variant (Variation ID: 1915804). This variant has not been reported in the literature in individuals affected with ATM-related conditions. This variant is not present in population databases (gnomAD no frequency). This sequence change replaces leucine, which is neutral and non-polar, with histidine, which is basic and polar, at codon 2490 of the ATM protein (p.Leu2490His).